The following is an entry in ClinVar:

NM_000283.4(PDE6B):c.1947C>G (p.Asn649Lys)

Gene: PDE6B (phosphodiesterase 6B; plus strand). Cytogenetic location: 4p16.3.
Variant type: single nucleotide variant.
Coding change: c.1947C>G on transcript NM_000283.4 (MANE Select); coding-DNA position 1947, C replaced by G.
Protein change: p.Asn649Lys; replaces asparagine 649 with lysine.
Molecular consequence: missense variant.
Genome position (GRCh38, 1-based): chr4:663,796, C>G. VCF-style: chr4-663796-C-G. GRCh37 (hg19) VCF-style: chr4-657585-C-G.
Other names: c.1947C>G, p.Asn649Lys (NM_001145291.2); c.1110C>G, p.Asn370Lys (NM_001145292.2, NM_001350154.3, NM_001379246.1 and 1 more transcripts); c.792C>G, p.Asn264Lys (NM_001350155.3); short protein forms N264K, N370K, N649K.
Identifiers: ClinVar variation 3623206 (VCV003623206.2).
Genomic context (GRCh38, chr4:663,796, plus strand): 5'-AGGGCGCCTGACGCGCTGGGCATAACCTCCGCAGACCCTGAACATCTACCAGAACCTGAA[C>G]CGGCGGCAGCACGAGCACGTGATCCACCTGATGGACATCGCCATCATCGCCACGGACCTG-3'
Protein context (NP_000274.3, residues 639-659): EETLNIYQNL[Asn649Lys]RRQHEHVIHL

ClinVar aggregate classification (germline): Uncertain significance (1 of 4 stars; one submission).

gnomAD v4.1: 40 of 1,612,086 alleles (0.0025%); highest among the groups gnomAD compares: Non-Finnish European, 0.0033%; no homozygotes.

Submission:

Labcorp Genetics (formerly Invitae), Labcorp
Classification: Uncertain significance. Last evaluated: 2024-03-21. Review status: criteria provided, single submitter. Criteria: Invitae Variant Classification Sherloc (09022015). Collection method: clinical testing. Allele origin: germline.
Comment: This sequence change replaces asparagine, which is neutral and polar, with lysine, which is basic and polar, at codon 649 of the PDE6B protein (p.Asn649Lys). This variant is present in population databases (rs776789430, gnomAD 0.002%). This variant has not been reported in the literature in individuals affected with PDE6B-related conditions. Advanced modeling of protein sequence and biophysical properties (such as structural, functional, and spatial information, amino acid conservation, physicochemical variation, residue mobility, and thermodynamic stability) performed at Invitae indicates that this missense variant is not expected to disrupt PDE6B protein function with a negative predictive value of 80%. In summary, the available evidence is currently insufficient to determine the role of this variant in disease. Therefore, it has been classified as a Variant of Uncertain Significance.